The following is an entry in ClinVar:

NM_020921.4(NIN):c.1413C>A (p.Asp471Glu)

Gene: NIN (ninein; minus strand). Cytogenetic location: 14q22.1.
Variant type: single nucleotide variant.
Coding change: c.1413C>A on transcript NM_020921.4 (MANE Select); coding-DNA position 1413, C replaced by A.
Protein change: p.Asp471Glu; replaces aspartic acid 471 with glutamic acid.
Molecular consequence: missense variant.
Genome position (GRCh38, 1-based): chr14:50,770,409, G>T on the plus strand (C>A on the coding strand, the complement: NIN is on the minus strand). VCF-style: chr14-50770409-G-T. GRCh37 (hg19) VCF-style: chr14-51237127-G-T.
Other names: c.1413C>A, p.Asp471Glu (NM_016350.5, NM_182944.3, NM_182946.2); short protein forms D471E.
Identifiers: ClinVar variation 4715295 (VCV004715295.1).

ClinVar aggregate classification (germline): Uncertain significance (1 of 4 stars; one submission).

Submission:

Labcorp Genetics (formerly Invitae), Labcorp
Classification: Uncertain significance. Last evaluated: 2025-03-18. Review status: criteria provided, single submitter. Criteria: Invitae Variant Classification Sherloc (09022015). Collection method: clinical testing. Allele origin: germline.
Comment: This sequence change replaces aspartic acid, which is acidic and polar, with glutamic acid, which is acidic and polar, at codon 471 of the NIN protein (p.Asp471Glu). This variant is not present in population databases (gnomAD no frequency). This variant has not been reported in the literature in individuals affected with NIN-related conditions. An algorithm developed to predict the effect of missense changes on protein structure and function (PolyPhen-2) suggests that this variant is likely to be disruptive. In summary, the available evidence is currently insufficient to determine the role of this variant in disease. Therefore, it has been classified as a Variant of Uncertain Significance.